The following is an entry in ClinVar:

NM_002386.4(MC1R):c.434C>A (p.Ser145Tyr)

Gene: MC1R (melanocortin 1 receptor; plus strand). Cytogenetic location: 16q24.3.
Variant type: single nucleotide variant.
Coding change: c.434C>A on transcript NM_002386.4 (MANE Select); coding-DNA position 434, C replaced by A.
Protein change: p.Ser145Tyr; replaces serine 145 with tyrosine.
Molecular consequence: missense variant.
Genome position (GRCh38, 1-based): chr16:89,919,692, C>A. VCF-style: chr16-89919692-C-A. GRCh37 (hg19) VCF-style: chr16-89986100-C-A.
Other names: short protein forms S145Y.
Identifiers: ClinVar variation 4104877 (VCV004104877.1).

ClinVar aggregate classification (germline): Uncertain significance (1 of 4 stars; one submission).

Submission:

Ambry Genetics
Classification: Uncertain significance. Last evaluated: 2025-08-22. Review status: criteria provided, single submitter. Criteria: Ambry Variant Classification Scheme 2023. Collection method: clinical testing. Allele origin: germline.
Comment: The p.S145Y variant (also known as c.434C>A), located in coding exon 1 of the MC1R gene, results from a C to A substitution at nucleotide position 434. The serine at codon 145 is replaced by tyrosine, an amino acid with dissimilar properties. This amino acid position is conserved. In addition, the in silico prediction for this alteration is inconclusive. Based on the available evidence, the clinical significance of this variant remains unclear.